The following is an entry in ClinVar:

ClinVar aggregate classification (germline): Uncertain significance (1 of 4 stars; one submission).

Conditions:
Congenital myasthenic syndrome 8. Also called: MYASTHENIC SYNDROME, CONGENITAL, DUE TO AGRIN DEFICIENCY; Myasthenic syndrome, congenital, 8, with pre- and postsynaptic defects. Identifiers: Orphanet 590, MedGen C3808739, MONDO:0014052, OMIM 615120.

Submission:

Labcorp Genetics (formerly Invitae), Labcorp
Classification: Uncertain significance for Congenital myasthenic syndrome 8. Last evaluated: 2022-08-21. Review status: criteria provided, single submitter. Criteria: Invitae Variant Classification Sherloc (09022015). Collection method: clinical testing. Allele origin: germline.
Comment: In summary, the available evidence is currently insufficient to determine the role of this variant in disease. Therefore, it has been classified as a Variant of Uncertain Significance. This variant has not been reported in the literature in individuals affected with AGRN-related conditions. This variant results in a copy number gain of the genomic region encompassing exon(s) 14-36 of the AGRN gene. This region includes the termination codon of the gene. This copy number gain extends beyond the assayed region for this gene and therefore may encompass additional genes. As the precise location of this event is unknown, it may be in tandem or it may be located elsewhere in the genome.

NC_000001.10:g.(?_980719)_(1168648_?)dup

Genes: TNFRSF4 (TNF receptor superfamily member 4; minus strand), TTLL10 (tubulin tyrosine ligase like 10; plus strand), AGRN (agrin; plus strand), B3GALT6 (beta-1,3-galactosyltransferase 6; plus strand), C1orf159 (chromosome 1 open reading frame 159; minus strand) and 6 more. Cytogenetic location: 1p36.33.
Variant type: Duplication.
Identifiers: ClinVar variation 2427661 (VCV002427661.4).